The following is an entry in ClinVar:

NM_003482.4(KMT2D):c.11149C>T (p.Gln3717Ter)

Gene: KMT2D (lysine methyltransferase 2D; minus strand). Cytogenetic location: 12q13.12.
Variant type: single nucleotide variant.
Coding change: c.11149C>T on transcript NM_003482.4 (MANE Select); coding-DNA position 11149, C replaced by T.
Protein change: p.Gln3717Ter; replaces glutamine 3717 with a stop codon.
Molecular consequence: nonsense.
Genome position (GRCh38, 1-based): chr12:49,033,556, G>A on the plus strand (C>T on the coding strand, the complement: KMT2D is on the minus strand). VCF-style: chr12-49033556-G-A. GRCh37 (hg19) VCF-style: chr12-49427339-G-A.
Other names: short protein forms Q3717*.
Identifiers: ClinVar variation 94146 (VCV000094146.15), dbSNP rs398123704, ClinGen allele CA221990.

ClinVar aggregate classification (germline): Pathogenic. Review status: criteria provided, multiple submitters, no conflicts (2 of 4 stars). 4 submissions from 4 submitters: Pathogenic (4). Last evaluated 2025-09-17.

Conditions:
Kabuki syndrome. Also called: Kabuki make-up syndrome; NIIKAWA-KUROKI SYNDROME. Identifiers: Orphanet 2322, MedGen C0796004, MONDO:0016512.
Kabuki syndrome 1 (KABUK1). Also called: KMT2D-Related Kabuki Syndrome. Identifiers: Orphanet 2322, MedGen CN030661, MONDO:0007843, OMIM 147920.

Submissions (4):

3billion
Classification: Pathogenic for Kabuki syndrome 1. Last evaluated: 2025-09-17. Review status: criteria provided, single submitter. Criteria: ACMG Guidelines, 2015. Collection method: clinical testing. Allele origin: germline. Affected: yes.
Comment: The variant is not observed in the gnomAD v4.1.0 dataset. Predicted Consequence/Location: Stop-gained (nonsense): predicted to result in a loss or disruption of normal protein function through nonsense-mediated decay (NMD) or protein truncation. Multiple pathogenic variants are reported downstream of the variant. The variant has been observed in at least two similarly affected unrelated individuals (PMID: 20711175, 29907798). The variant has been previously reported as assumed (i.e. paternity and maternity not confirmed) de novo in at least one similarly affected unrelated individual (PMID: 29907798). The variant has been reported at least twice as pathogenic without evidence for the classification (ClinVar ID: VCV000094146 /PMID: 20711175). Therefore, this variant is classified as Pathogenic according to the recommendation of ACMG/AMP guideline.

Labcorp Genetics (formerly Invitae), Labcorp
Classification: Pathogenic for Kabuki syndrome. Last evaluated: 2023-12-11. Review status: criteria provided, single submitter. Criteria: Invitae Variant Classification Sherloc (09022015). Collection method: clinical testing. Allele origin: germline.
Comment: This sequence change creates a premature translational stop signal (p.Gln3717*) in the KMT2D gene. It is expected to result in an absent or disrupted protein product. Loss-of-function variants in KMT2D are known to be pathogenic (PMID: 22126750). This variant is not present in population databases (gnomAD no frequency). This premature translational stop signal has been observed in individual(s) with clinical features of Kabuki syndrome (PMID: 20711175, 29907798). ClinVar contains an entry for this variant (Variation ID: 94146). For these reasons, this variant has been classified as Pathogenic.

Eurofins Ntd Llc (ga)
Classification: Pathogenic. Last evaluated: 2013-04-11. Review status: criteria provided, single submitter. Criteria: EGL Classification Definitions. Collection method: clinical testing. Allele origin: germline. Observed: 1 variant allele, 1 heterozygote.

Juno Genomics, Hangzhou Juno Genomics, Inc
Classification: Pathogenic for Kabuki syndrome 1. Review status: criteria provided, single submitter. Criteria: ACMG Guidelines, 2015. Collection method: clinical testing. Allele origin: germline. Affected: yes.
Comment: Absent from controls (or at extremely low frequency if recessive) in Genome Aggregation Database.;Null variant in a gene where loss of function (LOF) is a known mechanism of disease.;The prevalence of the variant in affected individuals is significantly increased compared to the prevalence in controls.;De novo (both maternity and paternity confirmed) in a patient with the disease and no family history.

Literature cited by the submitters: PubMed 20711175 (cited by 3billion and Labcorp Genetics (formerly Invitae), Labcorp); PubMed 29907798 (cited by 3billion and Labcorp Genetics (formerly Invitae), Labcorp); PubMed 22126750 (cited by Labcorp Genetics (formerly Invitae), Labcorp).